The following is an entry in ClinVar:

NM_000260.4(MYO7A):c.2542C>G (p.Arg848Gly)

Gene: MYO7A (myosin VIIA; plus strand). Cytogenetic location: 11q13.5.
Variant type: single nucleotide variant.
Coding change: c.2542C>G on transcript NM_000260.4 (MANE Select); coding-DNA position 2542, C replaced by G.
Protein change: p.Arg848Gly; replaces arginine 848 with glycine.
Molecular consequence: missense variant.
Genome position (GRCh38, 1-based): chr11:77,179,909, C>G. VCF-style: chr11-77179909-C-G. GRCh37 (hg19) VCF-style: chr11-76890955-C-G.
Other names: c.2542C>G, p.Arg848Gly (NM_001127180.2); c.2509C>G, p.Arg837Gly (NM_001369365.1); short protein forms R837G, R848G.
Identifiers: ClinVar variation 1313639 (VCV001313639.2), dbSNP rs1426313451, ClinGen allele CA381941959.

ClinVar aggregate classification (germline): Uncertain significance (1 of 4 stars; one submission).

Submission:

GeneDx
Classification: Uncertain significance. Last evaluated: 2020-11-03. Review status: criteria provided, single submitter. Criteria: GeneDx Variant Classification Process June 2021. Collection method: clinical testing. Allele origin: germline. Affected: yes.
Comment: Not observed in large population cohorts (Lek et al., 2016); In silico analysis supports that this missense variant has a deleterious effect on protein structure/function; Has not been previously published as pathogenic or benign to our knowledge